The following is an entry in ClinVar:

NM_000157.4(GBA1):c.1246G>A (p.Gly416Ser)

Genes: GBA1 (glucosylceramidase beta 1; minus strand), LOC106627981 (GBA recombination region; plus strand). Cytogenetic location: 1q22.
Variant type: single nucleotide variant.
Coding change: c.1246G>A on transcript NM_000157.4 (MANE Select); coding-DNA position 1246, G replaced by A.
Protein change: p.Gly416Ser; replaces glycine 416 with serine.
Molecular consequence: missense variant.
Genome position (GRCh38, 1-based): chr1:155,235,823, C>T on the plus strand (G>A on the coding strand, the complement: GBA1 is on the minus strand). VCF-style: chr1-155235823-C-T. GRCh37 (hg19) VCF-style: chr1-155205614-C-T.
Other names: G377S; c.1246G>A, p.Gly416Ser (NM_001005741.3, NM_001005742.3); c.985G>A, p.Gly329Ser (NM_001171811.2); c.1099G>A, p.Gly367Ser (NM_001171812.2); short protein forms G416S, G329S, G367S.
Identifiers: ClinVar variation 4327 (VCV000004327.32), dbSNP rs121908311, ClinGen allele CA253107.

ClinVar aggregate classification (germline): Pathogenic/Likely pathogenic. Review status: criteria provided, multiple submitters, no conflicts (2 of 4 stars). 15 submissions from 14 submitters: Pathogenic (10); Likely pathogenic (1). 4 of the submissions do not count toward it. Last evaluated 2025-10-27.

Conditions:
GBA-related disorder. Also called: GBA-related disorders.
Gaucher disease type III. Also called: Subacute neuronopathic Gaucher's disease; GAUCHER DISEASE, CHRONIC NEURONOPATHIC TYPE; GAUCHER DISEASE, JUVENILE AND ADULT, CEREBRAL; GAUCHER DISEASE, SUBACUTE NEURONOPATHIC TYPE; GD III; Gaucher Disease, Type 3. Identifiers: Orphanet 355, Orphanet 77261, MedGen C0268251, MONDO:0009267, OMIM 231000.
Gaucher disease-ophthalmoplegia-cardiovascular calcification syndrome. Also called: GAUCHER DISEASE, TYPE IIIC. Identifiers: Orphanet 2072, MedGen C1856476, MONDO:0009268, OMIM 231005.
Gaucher disease type I (GD1). Also called: GD 1; ACID BETA-GLUCOSIDASE DEFICIENCY; Gaucher's disease, type 1; GAUCHER DISEASE, NONCEREBRAL JUVENILE; GBA DEFICIENCY; GD I. Identifiers: Orphanet 355, Orphanet 77259, MedGen C1961835, MONDO:0009265, OMIM 230800.
Gaucher disease type II (GD2). Also called: Acute neuronopathic Gaucher's disease; GAUCHER DISEASE, ACUTE NEURONOPATHIC TYPE; GD II; Type 2 Gaucher disease (Acute; Infantile). Identifiers: Orphanet 77260, MedGen C0268250, MONDO:0009266, OMIM 230900.
Parkinson disease, late-onset (PD). Also called: Hereditary late onset Parkinson disease; PARKINSON DISEASE, LATE-ONSET, SUSCEPTIBILITY TO; Susceptibility to Parkinson's Disease. Identifiers: Orphanet 411602, MedGen C3160718, MONDO:0008199, OMIM 168600.
Gaucher disease perinatal lethal. Also called: Gaucher disease collodion type; Gaucher Disease, Perinatal-Lethal Form. Identifiers: Orphanet 85212, MedGen C1842704, MONDO:0011945, OMIM 608013.
Lewy body dementia (DLB). Also called: Lewy Body Disease. Identifiers: MedGen C0752347, MONDO:0007488, OMIM 127750.
Gaucher disease. Also called: Acute cerebral Gaucher disease; Cerebroside lipidosis syndrome; Gaucher splenomegaly; Sphingolipidosis 1; Glucocerebrosidosis; Glucosylceramidase deficiency. Identifiers: Orphanet 355, MedGen C0017205, MONDO:0018150.
Abnormal bleeding. Also called: Bleeding diathesis. Identifiers: MedGen C1458140, HP:0001892.
Thrombocytopenia. Identifiers: MedGen C0040034, MeSH D013921, MONDO:0002049, HP:0001873.

Allele frequency attached by ClinVar (database versions not stated): ExAC 0.00001; gnomAD 0.00001; gnomAD exomes 0.00002.
gnomAD v4.1: 36 of 1,614,076 alleles (0.0022%); highest among the groups gnomAD compares: Non-Finnish European, 0.0027%; no homozygotes.

Submissions (15):

Natera, Inc.
Classification: Pathogenic for Gaucher disease. Last evaluated: 2025-10-27. Review status: criteria provided, single submitter. Criteria: Natera Variant Classification Schema (03/2026). Collection method: clinical testing. Allele origin: germline.
Comment: The c.1246G>A variant in GBA1 is a missense variant predicted to cause substitution of glycine to serine at amino acid 416. This variant is rare in the general population with a frequency below the threshold expected for the associated phenotype(s). This variant has been observed in one or more individuals affected with the associated recessive disease, as either homozygous or compound heterozygous with a second variant (PMID: 34134921). Given the available evidence, this variant is classified as Pathogenic.

Labcorp Genetics (formerly Invitae), Labcorp
Classification: Pathogenic. Last evaluated: 2024-10-28. Review status: criteria provided, single submitter. Criteria: Invitae Variant Classification Sherloc (09022015). Collection method: clinical testing. Allele origin: germline.
Comment: This sequence change replaces glycine, which is neutral and non-polar, with serine, which is neutral and polar, at codon 416 of the GBA protein (p.Gly416Ser). This variant is present in population databases (rs121908311, gnomAD 0.003%). This missense change has been observed in individual(s) with Gaucher disease and/or Parkinson's disease (PMID: 8081401, 17395504, 20432762, 23430543, 25287185, 27632223, 29140481). It is commonly reported in individuals of Brazilian ancestry (PMID: 25287185). This variant is also known as p.Gly377Ser or G377S. ClinVar contains an entry for this variant (Variation ID: 4327). Invitae Evidence Modeling of protein sequence and biophysical properties (such as structural, functional, and spatial information, amino acid conservation, physicochemical variation, residue mobility, and thermodynamic stability) has been performed for this missense variant. However, the output from this modeling did not meet the statistical confidence thresholds required to predict the impact of this variant on GBA protein function. For these reasons, this variant has been classified as Pathogenic.

Blueprint Genetics
Classification: Pathogenic for GBA-related disorders. Last evaluated: 2024-08-21. Review status: criteria provided, single submitter. Criteria: ACMG Guidelines, 2015. Collection method: clinical testing. Allele origin: germline. Affected: yes. Observed: 3 variant alleles.

Revvity Omics, Revvity
Classification: Likely pathogenic. Last evaluated: 2022-06-24. Review status: criteria provided, single submitter. Criteria: ACMG Guidelines, 2015. Collection method: clinical testing. Allele origin: germline.

GeneDx
Classification: Pathogenic. Last evaluated: 2022-04-05. Review status: criteria provided, single submitter. Criteria: GeneDx Variant Classification Process June 2021. Collection method: clinical testing. Allele origin: germline. Affected: yes.
Comment: In silico analysis supports that this missense variant has a deleterious effect on protein structure/function; This variant is associated with the following publications: (PMID: 8081401, 25946768, 16981045, 17395504, 23430543, 25732996, 29140481, 27717005, 20432762, 21742527, 33176831, 31467847, 27632223, 25287185, 10757640, 12595585, 22429443)

Fulgent Genetics
Classification: Pathogenic for Lewy body dementia; Parkinson disease, late-onset; Gaucher disease type I; Gaucher disease type II; Gaucher disease type III; Gaucher disease-ophthalmoplegia-cardiovascular calcification syndrome; Gaucher disease perinatal lethal. Last evaluated: 2021-09-20. Review status: criteria provided, single submitter. Criteria: ACMG Guidelines, 2015. Collection method: clinical testing. Allele origin: unknown.

Broad Center for Mendelian Genomics, Broad Institute of MIT and Harvard
Classification: Pathogenic for Gaucher disease. Last evaluated: 2020-01-22. Review status: criteria provided, single submitter. Criteria: ACMG Guidelines, 2015. Collection method: curation. Allele origin: germline. Inheritance: Autosomal dominant inheritance.
Comment: The p.Gly416Ser variant in GBA has been reported in at least 25 individuals with Gaucher disease (PMID: 25946768, 16981045, 23430543, 25732996, 17395504) and has been identified in 0.003% (4/129180) of European (non-Finnish) chromosomes and 0.002822% (1/35438) of Latino chromosomes by the Genome Aggregation Database (gnomAD; dbSNP rs121908311). Although this variant has been seen in the general population, its frequency is low enough to be consistent with a recessive carrier frequency. This variant has also been reported in ClinVar (VariationID: 4327) as pathogenic by EGL Gene Diagnostics, OMIM, and Integrated Genetics. Computational prediction tools and conservation analyses do not provide strong support for or against an impact to the protein. However, the homozygous occurrence of this variant in 9 affected individuals and the presence of this variant in combination with a reported pathogenic variant in 11 individuals with Gaucher disease increases the likelihood that the p.Gly416Ser variant is pathogenic (VariationID: 4290, 4288; PMID: 25946768, 16981045, 23430543, 25732996, 17395504). The phenotype of individuals homozygous and heterozygous for this variant is highly specific for Gaucher disease based on enzyme activity of less than 1.7 nmol/h/mg protein, consistent with disease (PMID: 25946768, 16981045, 25732996). In summary, this variant meets criteria to be classified as pathogenic for Gaucher disease in an autosomal recessive manner based on the presence of the variant in affected homozygotes and in combination with other pathogenic variants in affected individuals, the phenotype of affected individuals with the variant that is specific to the disease, and the low frequency of the variant in the general population. ACMG/AMP Criteria applied: PM3_very-strong, PM2, PP4 (Richards 2015).

Genomic Research Center, Shahid Beheshti University of Medical Sciences
Classification: Pathogenic for Gaucher disease, type 1. Last evaluated: 2019-04-27. Review status: criteria provided, single submitter. Criteria: ACMG Guidelines, 2015. Collection method: clinical testing. Allele origin: unknown. Affected: yes.

Women's Health and Genetics/Laboratory Corporation of America, LabCorp
Classification: Pathogenic for Gaucher disease. Last evaluated: 2018-08-09. Review status: criteria provided, single submitter. Criteria: LabCorp Variant Classification Summary - May 2015. Collection method: clinical testing. Allele origin: germline.
Comment: Variant summary: GBA c.1246G>A (p.Gly416Ser) results in a non-conservative amino acid change located in the Glycosyl hydrolase family 30, TIM-barrel domain of the encoded protein sequence. Five of five in-silico tools predict a damaging effect of the variant on protein function. The variant allele was found at a frequency of 1.4e-05 in 277220 control chromosomes (gnomAD). The variant, c.1246G>A, has been reported in the literature in multiple individuals affected with Gaucher Disease in the homozygous and compound heterozygous state. These data indicate that the variant is very likely to be associated with disease. A functional study showed the variant to have <10% activity compared to wild-type (Amaral_2000). One clinical diagnostic laboratory has submitted clinical-significance assessments for this variant to ClinVar after 2014 without evidence for independent evaluation and classified the variant as pathogenic. Based on the evidence outlined above, the variant was classified as pathogenic.

Eurofins Ntd Llc (ga)
Classification: Pathogenic. Last evaluated: 2017-04-03. Review status: criteria provided, single submitter. Criteria: EGL Classification Definitions 2015. Collection method: clinical testing. Allele origin: germline. Observed: 3 variant alleles, 3 heterozygotes.

Baylor Genetics
Classification: Pathogenic for Gaucher disease type I; Gaucher disease type II; Gaucher disease type III; Gaucher disease-ophthalmoplegia-cardiovascular calcification syndrome. Review status: criteria provided, single submitter. Criteria: ACMG Guidelines, 2015. Collection method: clinical testing. Allele origin: germline.

Birmingham Platelet Group; University of Birmingham
Classification: Pathogenic for Thrombocytopenia; Abnormal bleeding. Last evaluated: 2020-05-01. Review status: no assertion criteria provided. Collection method: research. Allele origin: germline. Affected: yes. Not counted in ClinVar's aggregate classification.

OMIM
Classification: Pathogenic for GAUCHER DISEASE, TYPE I. Last evaluated: 2003-03-01. Review status: no assertion criteria provided. Collection method: literature only. Allele origin: germline. Not counted in ClinVar's aggregate classification.

OMIM
Classification: Pathogenic for GAUCHER DISEASE, TYPE III. Last evaluated: 2003-03-01. Review status: no assertion criteria provided. Collection method: literature only. Allele origin: germline. Not counted in ClinVar's aggregate classification.

GeneReviews
No classification provided. Condition: Gaucher disease. Review status: no classification provided. Collection method: literature only. Allele origin: germline. Not counted in ClinVar's aggregate classification.

Literature cited by the submitters: PubMed 34134921 (cited by Natera, Inc.); PubMed 8081401 (cited by Labcorp Genetics (formerly Invitae), Labcorp); PubMed 17395504 (cited by Labcorp Genetics (formerly Invitae), Labcorp and Broad Center for Mendelian Genomics, Broad Institute of MIT and Harvard); PubMed 20432762 (cited by Labcorp Genetics (formerly Invitae), Labcorp); PubMed 23430543 (cited by Labcorp Genetics (formerly Invitae), Labcorp and Broad Center for Mendelian Genomics, Broad Institute of MIT and Harvard); PubMed 25287185 (cited by Labcorp Genetics (formerly Invitae), Labcorp); PubMed 27632223 (cited by Labcorp Genetics (formerly Invitae), Labcorp); PubMed 29140481 (cited by Labcorp Genetics (formerly Invitae), Labcorp); PubMed 16981045 (cited by Broad Center for Mendelian Genomics, Broad Institute of MIT and Harvard); PubMed 25732996 (cited by Broad Center for Mendelian Genomics, Broad Institute of MIT and Harvard); PubMed 25946768 (cited by Broad Center for Mendelian Genomics, Broad Institute of MIT and Harvard); PubMed 10757640 (cited by Women's Health and Genetics/Laboratory Corporation of America, LabCorp); PubMed 20846888 (cited by Women's Health and Genetics/Laboratory Corporation of America, LabCorp); PubMed 10466427 (cited by OMIM); PubMed 2569551 (cited by OMIM); PubMed 12595585 (cited by OMIM).